The following is an entry in ClinVar:

ClinVar aggregate classification (germline): Likely pathogenic (1 of 4 stars; one submission).

Conditions:
Phelan-McDermid syndrome. Also called: TELOMERIC 22q13 MONOSOMY SYNDROME; 22q13.3 deletion syndrome; Phelan-McDermid Syndrome-SHANK3 Related. Identifiers: Orphanet 48652, MedGen C1853490, MONDO:0011652, OMIM 606232.

Submission:

Institute of Human Genetics, University of Goettingen
Classification: Likely pathogenic for Phelan-McDermid syndrome. Last evaluated: 2020-11-17. Review status: criteria provided, single submitter. Criteria: ACMG Guidelines, 2015. Collection method: clinical testing. Allele origin: unknown. Inheritance: Autosomal dominant inheritance. Observed: 1 variant allele, 1 heterozygote.
Comment: The variant c.1871G>C, (p.(Ser624Thr)) in SHANK3-gene is not found in the gnomAD database. The mutation has not yet been described in the literature or listed in the databases HGMD and ClinVar databases. This variant has a pathogenic computational verdict based on in silico prediction programs (M-CAP, SIFT), but to our knowledge no functional characterization to determine the functional consequence of this substitution was performed as of yet. ACMG criteria used for classification: PVS1, PM2.

NM_001372044.2(SHANK3):c.1871G>C (p.Arg624Pro)

Genes: SHANK3 (SH3 and multiple ankyrin repeat domains 3; plus strand), LOC126863188 (CDK7 strongly-dependent group 2 enhancer GRCh37_chr22:51142004-51143203; plus strand). Cytogenetic location: 22q13.33.
Variant type: single nucleotide variant.
Coding change: c.1871G>C on transcript NM_001372044.2 (MANE Select); coding-DNA position 1871, G replaced by C.
Protein change: p.Arg624Pro; replaces arginine 624 with proline.
Molecular consequence: missense variant.
Genome position (GRCh38, 1-based): chr22:50,703,893, G>C. VCF-style: chr22-50703893-G-C. GRCh37 (hg19) VCF-style: chr22-51142321-G-C.
Other names: short protein forms R624P.
Identifiers: ClinVar variation 997006 (VCV000997006.3), dbSNP rs2083140726, ClinGen allele CA515255793.